The following is an entry in ClinVar:

ClinVar aggregate classification (germline): Uncertain significance (1 of 4 stars; one submission).

Submission:

Labcorp Genetics (formerly Invitae), Labcorp
Classification: Uncertain significance. Last evaluated: 2022-09-07. Review status: criteria provided, single submitter. Criteria: Invitae Variant Classification Sherloc (09022015). Collection method: clinical testing. Allele origin: germline.
Comment: This variant is not present in population databases (gnomAD no frequency). This sequence change creates a premature translational stop signal (p.Glu49Alafs*39) in the ATOH7 gene. While this is not anticipated to result in nonsense mediated decay, it is expected to disrupt the last 104 amino acid(s) of the ATOH7 protein. This variant has not been reported in the literature in individuals affected with ATOH7-related conditions. In summary, the available evidence is currently insufficient to determine the role of this variant in disease. Therefore, it has been classified as a Variant of Uncertain Significance. ClinVar contains an entry for this variant (Variation ID: 941421).

NM_145178.4(ATOH7):c.144_145dup (p.Glu49fs)

Gene: ATOH7 (atonal bHLH transcription factor 7; minus strand). Cytogenetic location: 10q21.3.
Variant type: Microsatellite.
Coding change: c.144_145dup on transcript NM_145178.4 (MANE Select); coding-DNA positions 144 to 145, 2 bases duplicated (CG; older notation c.144_145dupCG).
Protein change: p.Glu49fs; shifts the reading frame from glutamic acid 49.
Molecular consequence: frameshift variant.
Genome position (GRCh38, 1-based): chr10:68,231,533-68,231,534, CG duplicated on the plus strand (CG on the coding strand, the reverse complement: ATOH7 is on the minus strand); duplicating any 2 consecutive bases within chr10:68,231,533-68,231,540 gives the same sequence; the c. name uses the placement nearest the transcript's 3' end. VCF-style (leftmost placement, unchanged base first): chr10-68231532-T-TCG. GRCh37 (hg19) VCF-style: chr10-69991289-T-TCG.
Other names: short protein forms E49fs.
Identifiers: ClinVar variation 941421 (VCV000941421.6), dbSNP rs773116389, ClinGen allele CA5523386.